The following is an entry in ClinVar:

NM_005660.3(SLC35A2):c.1151C>T (p.Pro384Leu)

Gene: SLC35A2 (solute carrier family 35 member A2; minus strand). Cytogenetic location: Xp11.23.
Variant type: single nucleotide variant.
Coding change: c.1151C>T on transcript NM_005660.3 (MANE Select); coding-DNA position 1151, C replaced by T.
Protein change: p.Pro384Leu; replaces proline 384 with leucine.
Molecular consequence: missense variant. On other transcripts: synonymous variant (3).
Genome position (GRCh38, 1-based): chrX:48,904,758, G>A on the plus strand (C>T on the coding strand, the complement: SLC35A2 is on the minus strand). VCF-style: chrX-48904758-G-A. GRCh37 (hg19) VCF-style: chrX-48762035-G-A.
Other names: c.561C>T, p.Ala187= (NM_001032289.3, NM_001282647.2); c.1151C>T, p.Pro384Leu (NM_001042498.3); c.489C>T, p.Ala163= (NM_001282648.2); c.968C>T, p.Pro323Leu (NM_001282649.2); c.1190C>T, p.Pro397Leu (NM_001282650.2); c.1235C>T, p.Pro412Leu (NM_001282651.2); short protein forms P323L, P384L, P397L, P412L.
Identifiers: ClinVar variation 4685370 (VCV004685370.1).

ClinVar aggregate classification (germline): Uncertain significance (1 of 4 stars; one submission).

Submission:

GeneDx
Classification: Uncertain significance. Last evaluated: 2025-07-09. Review status: criteria provided, single submitter. Criteria: GeneDx Variant Classification Process June 2021. Collection method: clinical testing. Allele origin: germline. Affected: yes.
Comment: Not observed at significant frequency in large population cohorts (gnomAD); In silico analysis suggests that this missense variant does not alter protein structure/function; Has not been previously published as pathogenic or benign to our knowledge